The following is an entry in ClinVar:

NM_005188.4(CBL):c.1112A>T (p.Tyr371Phe)

Gene: CBL (Cbl proto-oncogene; plus strand). Cytogenetic location: 11q23.3.
Variant type: single nucleotide variant.
Coding change: c.1112A>T on transcript NM_005188.4 (MANE Select); coding-DNA position 1112, A replaced by T.
Protein change: p.Tyr371Phe; replaces tyrosine 371 with phenylalanine.
Molecular consequence: missense variant.
Genome position (GRCh38, 1-based): chr11:119,278,182, A>T. VCF-style: chr11-119278182-A-T. GRCh37 (hg19) VCF-style: chr11-119148892-A-T.
Other names: short protein forms Y371F.
Identifiers: ClinVar variation 949693 (VCV000949693.9), dbSNP rs387906666, ClinGen allele CA382912312.

ClinVar aggregate classification (germline): Likely pathogenic (1 of 4 stars; one submission).

Conditions:
RASopathy. Also called: Noonan spectrum disorder; rasopathies. Identifiers: Orphanet 536391, MedGen C5555857, MONDO:0021060.

Submission:

Labcorp Genetics (formerly Invitae), Labcorp
Classification: Likely pathogenic for RASopathy. Last evaluated: 2022-11-29. Review status: criteria provided, single submitter. Criteria: Invitae Variant Classification Sherloc (09022015). Collection method: clinical testing. Allele origin: germline.
Comment: In summary, the currently available evidence indicates that the variant is pathogenic, but additional data are needed to prove that conclusively. Therefore, this variant has been classified as Likely Pathogenic. This variant disrupts the p.Tyr371 amino acid residue in CBL. Other variant(s) that disrupt this residue have been determined to be pathogenic (PMID: 25283271, 25952305, 28414188). This suggests that this residue is clinically significant, and that variants that disrupt this residue are likely to be disease-causing. Experimental studies are conflicting or provide insufficient evidence to determine the effect of this variant on CBL function (PMID: 14640702, 15581361, 22266821, 27609087). Advanced modeling of protein sequence and biophysical properties (such as structural, functional, and spatial information, amino acid conservation, physicochemical variation, residue mobility, and thermodynamic stability) performed at Invitae indicates that this missense variant is expected to disrupt CBL protein function. ClinVar contains an entry for this variant (Variation ID: 949693). This variant has not been reported in the literature in individuals affected with CBL-related conditions. This variant is not present in population databases (gnomAD no frequency). This sequence change replaces tyrosine, which is neutral and polar, with phenylalanine, which is neutral and non-polar, at codon 371 of the CBL protein (p.Tyr371Phe).

Literature cited by the submitters: PubMed 25283271; PubMed 25952305; PubMed 28414188; PubMed 14640702; PubMed 15581361; PubMed 22266821; PubMed 27609087.